The following is an entry in ClinVar:

NM_016216.4(DBR1):c.194A>G (p.Tyr65Cys)

Gene: DBR1 (debranching RNA lariats 1; minus strand). Cytogenetic location: 3q22.3.
Variant type: single nucleotide variant.
Coding change: c.194A>G on transcript NM_016216.4 (MANE Select); coding-DNA position 194, A replaced by G.
Protein change: p.Tyr65Cys; replaces tyrosine 65 with cysteine.
Molecular consequence: missense variant.
Genome position (GRCh38, 1-based): chr3:138,174,602, T>C on the plus strand (A>G on the coding strand, the complement: DBR1 is on the minus strand). VCF-style: chr3-138174602-T-C. GRCh37 (hg19) VCF-style: chr3-137893444-T-C.
Other names: short protein forms Y65C.
Identifiers: ClinVar variation 2070661 (VCV002070661.4), dbSNP rs769868644, ClinGen allele CA2635968.

ClinVar aggregate classification (germline): Uncertain significance (1 of 4 stars; one submission).

Allele frequency attached by ClinVar (database versions not stated): gnomAD exomes 0.00001; ExAC 0.00002.
gnomAD v4.1: 9 of 1,382,346 alleles (0.00065%); highest among the groups gnomAD compares: Admixed American, 0.0019%; no homozygotes.

Submission:

Labcorp Genetics (formerly Invitae), Labcorp
Classification: Uncertain significance. Last evaluated: 2022-04-07. Review status: criteria provided, single submitter. Criteria: Invitae Variant Classification Sherloc (09022015). Collection method: clinical testing. Allele origin: germline.
Comment: In summary, the available evidence is currently insufficient to determine the role of this variant in disease. Therefore, it has been classified as a Variant of Uncertain Significance. Algorithms developed to predict the effect of missense changes on protein structure and function (SIFT, PolyPhen-2, Align-GVGD) all suggest that this variant is likely to be disruptive. This variant has not been reported in the literature in individuals affected with DBR1-related conditions. The frequency data for this variant in the population databases is considered unreliable, as metrics indicate poor data quality at this position in the gnomAD database. This sequence change replaces tyrosine, which is neutral and polar, with cysteine, which is neutral and slightly polar, at codon 65 of the DBR1 protein (p.Tyr65Cys).